The following is an entry in ClinVar:

ClinVar aggregate classification (germline): Pathogenic (1 of 4 stars; one submission).

Submission:

GeneDx
Classification: Pathogenic. Last evaluated: 2022-05-05. Review status: criteria provided, single submitter. Criteria: GeneDx Variant Classification Process June 2021. Collection method: clinical testing. Allele origin: germline. Affected: yes.
Comment: Nonsense variant in the C-terminus predicted to result in protein truncation, as the last 107 amino acids are lost, and other loss-of-function variants have been reported downstream in HGMD; Not observed at significant frequency in large population cohorts (gnomAD); This variant is associated with the following publications: (PMID: 30352594)

NM_078480.3(PUF60):c.1357C>T (p.Gln453Ter)

Gene: PUF60 (poly(U) binding splicing factor 60; minus strand). Cytogenetic location: 8q24.3.
Variant type: single nucleotide variant.
Coding change: c.1357C>T on transcript NM_078480.3 (MANE Select); coding-DNA position 1357, C replaced by T.
Protein change: p.Gln453Ter; replaces glutamine 453 with a stop codon.
Molecular consequence: nonsense.
Genome position (GRCh38, 1-based): chr8:143,816,933, G>A on the plus strand (C>T on the coding strand, the complement: PUF60 is on the minus strand). VCF-style: chr8-143816933-G-A. GRCh37 (hg19) VCF-style: chr8-144899103-G-A.
Other names: c.1228C>T, p.Gln410Ter (NM_001136033.3); c.1303C>T, p.Gln435Ter (NM_001271096.2); c.1219C>T, p.Gln407Ter (NM_001271097.2); c.1354C>T, p.Gln452Ter (NM_001271098.2); c.1270C>T, p.Gln424Ter (NM_001271099.2); c.1177C>T, p.Gln393Ter (NM_001271100.2); c.1468C>T, p.Gln490Ter (NM_001362895.2, NM_001362896.2); c.1417C>T, p.Gln473Ter (NM_001362897.2); and 1 more; short protein forms Q393*, Q407*, Q410*, Q424*, Q435*, Q436*, Q452*, Q453*.
Identifiers: ClinVar variation 1722774 (VCV001722774.2), dbSNP rs2538846241, ClinGen allele CA372486442.